The following is an entry in ClinVar:

ClinVar aggregate classification (germline): Benign/Likely benign. Review status: criteria provided, multiple submitters, no conflicts (2 of 4 stars). 3 submissions from 3 submitters: Benign (2); Likely benign (1). Last evaluated 2025-05-16.

Conditions:
Hearing loss, autosomal dominant 78. Also called: DEAFNESS, AUTOSOMAL DOMINANT 78. Identifiers: MedGen C5436768, MONDO:0033665, OMIM 619081.
Delpire-McNeill syndrome. Also called: SLC12A2-related autosomal dominant infantile-developmental delay-intellectual disability-sensorineural deafness syndrome. Identifiers: Orphanet 633024, MedGen C5436771, MONDO:0033667, OMIM 619083.
Kilquist syndrome (KILQS). Also called: SLC12A2-related autosomal recessive neonatal-developmental delay-intellectual disability-feeding difficulty-sensorineural deafness syndrome. Identifiers: Orphanet 633021, MedGen C5436756, MONDO:0033664, OMIM 619080.

Allele frequency attached by ClinVar (database versions not stated): TOPMed 0.00022; ESP Exome Variant Server 0.00054; 1000 Genomes Project 30x 0.00187; 1000 Genomes Project 0.00240; gnomAD 0.00471 and 0.00499; ExAC 0.00576; gnomAD exomes 0.00600.
gnomAD v4.1: 4,296 of 1,610,502 alleles (0.27%); highest among the groups gnomAD compares: Non-Finnish European, 0.045%; 113 homozygotes.

Submissions (3):

Labcorp Genetics (formerly Invitae), Labcorp
Classification: Benign. Last evaluated: 2025-05-16. Review status: criteria provided, single submitter. Criteria: Invitae Variant Classification Sherloc (09022015). Collection method: clinical testing. Allele origin: germline.

CeGaT Center for Human Genetics Tuebingen
Classification: Likely benign. Last evaluated: 2024-10-01. Review status: criteria provided, single submitter. Criteria: CeGaT Center For Human Genetics Tuebingen Variant Classification Criteria Version 2. Collection method: clinical testing. Allele origin: germline. Affected: yes. Observed: 2 variant alleles.
Comment: SLC12A2: BS1

Fulgent Genetics
Classification: Benign for Kilquist syndrome; Hearing loss, autosomal dominant 78; Delpire-McNeill syndrome. Last evaluated: 2021-08-30. Review status: criteria provided, single submitter. Criteria: ACMG Guidelines, 2015. Collection method: clinical testing. Allele origin: unknown.

NM_001046.3(SLC12A2):c.524G>C (p.Gly175Ala)

Gene: SLC12A2 (solute carrier family 12 member 2; plus strand). Cytogenetic location: 5q23.3.
Variant type: single nucleotide variant.
Coding change: c.524G>C on transcript NM_001046.3 (MANE Select); coding-DNA position 524, G replaced by C.
Protein change: p.Gly175Ala; replaces glycine 175 with alanine.
Molecular consequence: missense variant. On other transcripts: non-coding transcript variant (1).
Genome position (GRCh38, 1-based): chr5:128,084,478, G>C. VCF-style: chr5-128084478-G-C. GRCh37 (hg19) VCF-style: chr5-127420170-G-C.
Other names: c.524G>C, p.Gly175Ala (NM_001256461.2); short protein forms G175A.
Identifiers: ClinVar variation 1600401 (VCV001600401.31), dbSNP rs149585221, ClinGen allele CA3392827.